The following is an entry in ClinVar:

ClinVar aggregate classification (germline): Pathogenic (1 of 4 stars; one submission).

Conditions:
Waardenburg syndrome type 2A (WS2A). Also called: WAARDENBURG SYNDROME WITHOUT DYSTOPIA CANTHORUM. Identifiers: Orphanet 3440, MedGen C1860339, MONDO:0008671, OMIM 193510.

Submission:

Institute of Rare Diseases, West China Hospital, Sichuan University
Classification: Pathogenic for Waardenburg syndrome type 2A. Last evaluated: 2025-01-09. Review status: criteria provided, single submitter. Criteria: ClinGen HL ACMG Specifications v1. Collection method: research. Allele origin: germline. Affected: yes.
Comment: PVS1;PM1;PM2_Supporting

NM_001354604.2(MITF):c.1180-5_1203dup

Gene: MITF (melanocyte inducing transcription factor; plus strand). Cytogenetic location: 3p13.
Variant type: Duplication.
Coding change: c.1180-5_1203dup on transcript NM_001354604.2 (MANE Select); 5 bases into the intron before coding-DNA position 1180 through coding-DNA position 1203, 29 bases duplicated (TATAGGAACTTGAAATGCAGGCTCGAGCT).
Molecular consequence: splice acceptor variant.
Genome position (GRCh38, 1-based): chr3:69,964,842-69,964,870, TATAGGAACTTGAAATGCAGGCTCGAGCT duplicated; duplicating any 29 consecutive bases within chr3:69,964,841-69,964,870 gives the same sequence; the c. name uses the placement nearest the transcript's 3' end. VCF-style (leftmost placement, unchanged base first): chr3-69964840-A-ATTATAGGAACTTGAAATGCAGGCTCGAGC. GRCh37 (hg19) VCF-style: chr3-70013991-A-ATTATAGGAACTTGAAATGCAGGCTCGAGC.
Other names: c.1111-5_1134dup (NM_001354607.2); c.1006-5_1029dup (NM_001354608.2, NM_001184967.2); c.1162-5_1185dup (NM_198159.3); c.1177-5_1200dup (NM_001354605.2); c.1159-5_1182dup (NM_001354606.2, NM_006722.3); c.1114-5_1137dup (NM_198177.3); c.859-5_882dup (NM_000248.4); c.841-5_864dup (NM_198158.3); and 1 more.
Identifiers: ClinVar variation 3601276 (VCV003601276.1).